The following is an entry in ClinVar:

NM_000548.5(TSC2):c.5341C>T (p.Pro1781Ser)

Gene: TSC2 (TSC complex subunit 2; plus strand). Cytogenetic location: 16p13.3.
Variant type: single nucleotide variant.
Coding change: c.5341C>T on transcript NM_000548.5 (MANE Select); coding-DNA position 5341, C replaced by T.
Protein change: p.Pro1781Ser; replaces proline 1781 with serine.
Molecular consequence: missense variant. On other transcripts: non-coding transcript variant (5).
Genome position (GRCh38, 1-based): chr16:2,088,527, C>T. VCF-style: chr16-2088527-C-T. GRCh37 (hg19) VCF-style: chr16-2138528-C-T.
Other names: c.5140C>T, p.Pro1714Ser (NM_001077183.3); c.5272C>T, p.Pro1758Ser (NM_001114382.3); c.5032C>T, p.Pro1678Ser (NM_001318827.2); c.4996C>T, p.Pro1666Ser (NM_001318829.2); c.4609C>T, p.Pro1537Ser (NM_001318831.2); c.5173C>T, p.Pro1725Ser (NM_001318832.2); c.5143C>T, p.Pro1715Ser (NM_001363528.2); c.5209C>T, p.Pro1737Ser (NM_001370404.1); and 27 more; short protein forms P1514S, P1558S, P1561S, P1695S, P1710S, P1714S, P1734S, P1744S.
Identifiers: ClinVar variation 4763468 (VCV004763468.1).

ClinVar aggregate classification (germline): Uncertain significance (1 of 4 stars; one submission).

Conditions:
Tuberous sclerosis 2 (TSC2). Identifiers: Orphanet 805, MedGen C1860707, MONDO:0013199, OMIM 613254.

Submission:

Labcorp Genetics (formerly Invitae), Labcorp
Classification: Uncertain significance for Tuberous sclerosis 2. Last evaluated: 2025-04-24. Review status: criteria provided, single submitter. Criteria: Invitae Variant Classification Sherloc (09022015). Collection method: clinical testing. Allele origin: germline.
Comment: This sequence change replaces proline, which is neutral and non-polar, with serine, which is neutral and polar, at codon 1781 of the TSC2 protein (p.Pro1781Ser). This variant is not present in population databases (gnomAD no frequency). This variant has not been reported in the literature in individuals affected with TSC2-related conditions. Invitae Evidence Modeling of protein sequence and biophysical properties (such as structural, functional, and spatial information, amino acid conservation, physicochemical variation, residue mobility, and thermodynamic stability) indicates that this missense variant is not expected to disrupt TSC2 protein function with a negative predictive value of 95%. In summary, the available evidence is currently insufficient to determine the role of this variant in disease. Therefore, it has been classified as a Variant of Uncertain Significance.